The following is an entry in ClinVar:

ClinVar aggregate classification (germline): Uncertain significance (1 of 4 stars; one submission).

gnomAD v4.1: 7 of 1,608,544 alleles (0.00044%); highest among the groups gnomAD compares: South Asian, 0.0055%; no homozygotes.

Submission:

GeneDx
Classification: Uncertain significance. Last evaluated: 2025-05-16. Review status: criteria provided, single submitter. Criteria: GeneDx Variant Classification Process June 2021. Collection method: clinical testing. Allele origin: germline. Affected: yes.
Comment: Not observed at significant frequency in large population cohorts (gnomAD); Missense variant in a gene in which most reported pathogenic variants are truncating/loss of function; Has not been previously published as pathogenic or benign to our knowledge

NM_001267550.2(TTN):c.36285C>A (p.His12095Gln)

Gene: TTN (titin; minus strand). Cytogenetic location: 2q31.2.
Variant type: single nucleotide variant.
Coding change: c.36285C>A on transcript NM_001267550.2 (MANE Select); coding-DNA position 36285, C replaced by A.
Protein change: p.His12095Gln; replaces histidine 12095 with glutamine.
Molecular consequence: missense variant. On other transcripts: intron variant (5).
Genome position (GRCh38, 1-based): chr2:178,664,094, G>T on the plus strand (C>A on the coding strand, the complement: TTN is on the minus strand). VCF-style: chr2-178664094-G-T. GRCh37 (hg19) VCF-style: chr2-179528821-G-T.
Other names: c.13283-21777C>A (NM_003319.4); c.13859-21777C>A (NM_133437.4); c.13658-21777C>A (NM_133432.3); c.31484-1039C>A (NM_133378.4); c.34265-1039C>A (NM_001256850.1); short protein forms H12095Q.
Identifiers: ClinVar variation 4530009 (VCV004530009.1).